The following is an entry in ClinVar:

ClinVar aggregate classification (germline): Likely benign (1 of 4 stars; one submission).

Allele frequency attached by ClinVar (database versions not stated): ExAC 0.00121; gnomAD 0.00123; TOPMed 0.00134; 1000 Genomes Project 0.00140; 1000 Genomes Project 30x 0.00156; gnomAD exomes 0.00195; ESP Exome Variant Server 0.00231.
gnomAD v4.1: 3,037 of 1,614,096 alleles (0.19%); highest among the groups gnomAD compares: Middle Eastern, 0.26%; 6 homozygotes.

Submission:

CeGaT Center for Human Genetics Tuebingen
Classification: Likely benign. Last evaluated: 2022-10-01. Review status: criteria provided, single submitter. Criteria: CeGaT Center For Human Genetics Tuebingen Variant Classification Criteria Version 2. Collection method: clinical testing. Allele origin: germline. Affected: yes. Observed: 1 variant allele.
Comment: ADCY9: BP4, BS2

NM_001116.4(ADCY9):c.3493G>A (p.Val1165Ile)

Gene: ADCY9 (adenylate cyclase 9; minus strand). Cytogenetic location: 16p13.3.
Variant type: single nucleotide variant.
Coding change: c.3493G>A on transcript NM_001116.4 (MANE Select); coding-DNA position 3493, G replaced by A.
Protein change: p.Val1165Ile; replaces valine 1165 with isoleucine.
Molecular consequence: missense variant.
Genome position (GRCh38, 1-based): chr16:3,966,344, C>T on the plus strand (G>A on the coding strand, the complement: ADCY9 is on the minus strand). VCF-style: chr16-3966344-C-T. GRCh37 (hg19) VCF-style: chr16-4016345-C-T.
Other names: short protein forms V1165I.
Identifiers: ClinVar variation 2646144 (VCV002646144.24), dbSNP rs144864117, ClinGen allele CA7870957.